The following is an entry in ClinVar:

NM_201384.3(PLEC):c.8316C>T (p.Arg2772=)

Gene: PLEC (plectin; minus strand). Cytogenetic location: 8q24.3.
Variant type: single nucleotide variant.
Coding change: c.8316C>T on transcript NM_201384.3 (MANE Select); coding-DNA position 8316, C replaced by T.
Protein change: p.Arg2772=; no amino-acid change (arginine 2772 retained).
Molecular consequence: synonymous variant.
Genome position (GRCh38, 1-based): chr8:143,921,505, G>A on the plus strand (C>T on the coding strand, the complement: PLEC is on the minus strand). VCF-style: chr8-143921505-G-A. GRCh37 (hg19) VCF-style: chr8-144995673-G-A.
Other names: c.8397C>T, p.Arg2799= (NM_000445.5); c.8274C>T, p.Arg2758= (NM_201378.4); c.8250C>T, p.Arg2750= (NM_201379.3); c.8727C>T, p.Arg2909= (NM_201380.4); c.8220C>T, p.Arg2740= (NM_201381.3); c.8316C>T, p.Arg2772= (NM_201382.4); c.8328C>T, p.Arg2776= (NM_201383.3).
Identifiers: ClinVar variation 287710 (VCV000287710.39), dbSNP rs782420340, ClinGen allele CA4925362.

ClinVar aggregate classification (germline): Conflicting classifications of pathogenicity. Review status: criteria provided, conflicting classifications (1 of 4 stars). 5 submissions from 5 submitters: Uncertain significance (1); Likely benign (4). Last evaluated 2026-01-19.

Conditions:
Autosomal recessive limb-girdle muscular dystrophy type 2Q (LGMDR17). Also called: MUSCULAR DYSTROPHY, LIMB-GIRDLE, AUTOSOMAL RECESSIVE 17. Identifiers: Orphanet 254361, MedGen C3150989, MONDO:0013390, OMIM 613723.
Epidermolysis bullosa simplex with nail dystrophy (EBS5D). Identifiers: MedGen C4225309, MONDO:0014661, OMIM 616487.
Epidermolysis bullosa simplex 5C, with pyloric atresia (EBS5C). Also called: PLEC-Related Epidermolysis Bullosa with Pyloric Atresia; PLEC1-Related Epidermolysis Bullosa with Pyloric Atresia; Epidermolysis bullosa simplex with pyloric atresia. Identifiers: Orphanet 158684, MedGen C2677349, MONDO:0012807, OMIM 612138.
Epidermolysis bullosa simplex, Ogna type (EBS5A). Also called: Pidermolysis bullosa simplex 5A, Ogna type; EPIDERMOLYSIS BULLOSA SIMPLEX 5A, OGNA TYPE. Identifiers: Orphanet 79401, MedGen C0432317, MONDO:0007555, OMIM 131950.
Epidermolysis bullosa simplex 5B, with muscular dystrophy (EBS5B). Also called: Epidermolysis bullosa simplex with muscular dystrophy; EPIDERMOLYSIS BULLOSA SIMPLEX AND LIMB-GIRDLE MUSCULAR DYSTROPHY. Identifiers: Orphanet 257, MedGen C2931072, MONDO:0009181, OMIM 226670.

Allele frequency attached by ClinVar (database versions not stated): gnomAD exomes 0.00006 and 0.00007; ExAC 0.00007; gnomAD 0.00017 and 0.00019; TOPMed 0.00039.
gnomAD v4.1: 132 of 1,612,888 alleles (0.0082%); highest among the groups gnomAD compares: Admixed American, 0.035%; no homozygotes.

Submissions (5):

Labcorp Genetics (formerly Invitae), Labcorp
Classification: Likely benign for Autosomal recessive limb-girdle muscular dystrophy type 2Q; Epidermolysis bullosa simplex, Ogna type; Epidermolysis bullosa simplex with nail dystrophy; Epidermolysis bullosa simplex 5C, with pyloric atresia; Epidermolysis bullosa simplex 5B, with muscular dystrophy. Last evaluated: 2026-01-19. Review status: criteria provided, single submitter. Criteria: Invitae Variant Classification Sherloc (09022015). Collection method: clinical testing. Allele origin: germline.

Blueprint Genetics
Classification: Likely benign. Last evaluated: 2024-10-03. Review status: criteria provided, single submitter. Criteria: ACMG Guidelines, 2015. Collection method: clinical testing. Allele origin: germline.

CeGaT Center for Human Genetics Tuebingen
Classification: Likely benign. Last evaluated: 2022-08-01. Review status: criteria provided, single submitter. Criteria: CeGaT Center For Human Genetics Tuebingen Variant Classification Criteria Version 2. Collection method: clinical testing. Allele origin: germline. Affected: yes. Observed: 1 variant allele.
Comment: PLEC: BP4, BP7

GeneDx
Classification: Likely benign. Last evaluated: 2018-02-08. Review status: criteria provided, single submitter. Criteria: GeneDx Variant Classification (06012015). Collection method: clinical testing. Allele origin: germline. Affected: yes.
Comment: This variant is considered likely benign or benign based on one or more of the following criteria: it is a conservative change, it occurs at a poorly conserved position in the protein, it is predicted to be benign by multiple in silico algorithms, and/or has population frequency not consistent with disease.

Eurofins Ntd Llc (ga)
Classification: Uncertain significance. Last evaluated: 2016-04-20. Review status: criteria provided, single submitter. Criteria: EGL Classification Definitions 2015. Collection method: clinical testing. Allele origin: germline. Observed: 2 variant alleles, 2 heterozygotes.